The following is an entry in ClinVar:

ClinVar aggregate classification (germline): Pathogenic (1 of 4 stars; one submission).

Conditions:
Bifunctional peroxisomal enzyme deficiency (DBIF). Also called: DBP DEFICIENCY; PBFE DEFICIENCY; D-bifunctional protein deficiency. Identifiers: Orphanet 300, MedGen C0342870, MONDO:0009855, OMIM 261515. Disease mechanism: loss of function.
Perrault syndrome. Also called: Gonadal dysgenesis with auditory dysfunction, autosomal recessive inheritance. Identifiers: Orphanet 2855, MedGen C0685838, MONDO:0017312.

Submission:

Labcorp Genetics (formerly Invitae), Labcorp
Classification: Pathogenic for Perrault syndrome; Bifunctional peroxisomal enzyme deficiency. Last evaluated: 2021-10-12. Review status: criteria provided, single submitter. Criteria: Invitae Variant Classification Sherloc (09022015). Collection method: clinical testing. Allele origin: germline.
Comment: This sequence change creates a premature translational stop signal (p.Met200Aspfs*4) in the HSD17B4 gene. It is expected to result in an absent or disrupted protein product. Loss-of-function variants in HSD17B4 are known to be pathogenic (PMID: 11810648, 16385454). For these reasons, this variant has been classified as Pathogenic. This variant has not been reported in the literature in individuals affected with HSD17B4-related conditions. This variant is not present in population databases (ExAC no frequency).

Literature cited by the submitters: PubMed 11810648; PubMed 16385454.

NM_000414.4(HSD17B4):c.590_597dup (p.Met200fs)

Gene: HSD17B4 (hydroxysteroid 17-beta dehydrogenase 4; plus strand). Cytogenetic location: 5q23.1.
Variant type: Duplication.
Coding change: c.590_597dup on transcript NM_000414.4 (MANE Select); coding-DNA positions 590 to 597, 8 bases duplicated (GATCACGG; older notation c.590_597dupGATCACGG).
Protein change: p.Met200fs; shifts the reading frame from methionine 200.
Molecular consequence: frameshift variant. On other transcripts: non-coding transcript variant (2).
Genome position (GRCh38, 1-based): chr5:119,478,989-119,478,996, GATCACGG duplicated; duplicating any 8 consecutive bases within chr5:119,478,986-119,478,996 gives the same sequence; the c. name uses the placement nearest the transcript's 3' end. VCF-style (leftmost placement, unchanged base first): chr5-119478985-G-GCGGGATCA. GRCh37 (hg19) VCF-style: chr5-118814680-G-GCGGGATCA.
Other names: c.179_186dup, p.Met63fs (NM_001374501.1, NM_001374502.1, NM_001374503.1); c.665_672dup, p.Met225fs (NM_001199291.3); c.536_543dup, p.Met182fs (NM_001199292.2); c.518_525dup, p.Met176fs (NM_001292027.2); c.170_177dup, p.Met60fs (NM_001292028.2); c.581_588dup, p.Met197fs (NM_001374497.1); c.590_597dup, p.Met200fs (NM_001374498.1); c.263_270dup, p.Met91fs (NM_001374499.1); and 1 more; short protein forms M200fs, M225fs, M63fs, M91fs, M176fs, M182fs, M53fs, M197fs.
Identifiers: ClinVar variation 1404290 (VCV001404290.6), dbSNP rs2126703106, ClinGen allele CA2573138658.
Genomic context (GRCh38, chr5:119,478,985, plus strand): 5'-AATTCTCTTGCAATTGAAGGCAGGAAAAGCAACATTCATTGTAACACCATTGCTCCTAAT[G>GCGGGATCA]CGGGATCACGGATGACTCAGACAGTTATGCCTGAAGGTAAGTAAGCAAGCTTATATTTTT-3'